The following is an entry in ClinVar:

ClinVar aggregate classification (germline): Uncertain significance. Review status: criteria provided, multiple submitters, no conflicts (2 of 4 stars). 3 submissions from 3 submitters: Uncertain significance (3). Last evaluated 2021-07-15.

Conditions:
Coffin-Siris syndrome 1 (CSS1). Also called: Mental retardation, autosomal dominant 12; ARID1B-Related Coffin-Siris Syndrome. Identifiers: Orphanet 1465, MedGen C3281201, MONDO:0007617, OMIM 135900. Disease mechanism: gain of function.
Inborn genetic diseases. Identifiers: MedGen C0950123, MeSH D030342.

Allele frequency attached by ClinVar (database versions not stated): ExAC 0.00001; gnomAD exomes 0.00001 and 0.00002; gnomAD 0.00003; TOPMed 0.00003.
gnomAD v4.1: 40 of 1,614,026 alleles (0.0025%); highest among the groups gnomAD compares: African/African-American, 0.004%; no homozygotes.

Submissions (3):

Genome-Nilou Lab
Classification: Uncertain significance for Coffin-Siris syndrome 1. Last evaluated: 2021-07-15. Review status: criteria provided, single submitter. Criteria: ACMG Guidelines, 2015. Collection method: clinical testing. Allele origin: germline. Affected: no.

Centre for Mendelian Genomics, University Medical Centre Ljubljana
Classification: Uncertain significance for Coffin-Siris syndrome 1. Last evaluated: 2020-02-20. Review status: criteria provided, single submitter. Criteria: ACMG Guidelines, 2015. Collection method: clinical testing. Allele origin: unknown. Affected: yes.
Comment: This variant was classified as: Uncertain significance. The available evidence on this variant's pathogenicity is insufficient or conflicting. The following ACMG criteria were applied in classifying this variant: PP3,BP1.

Ambry Genetics
Classification: Uncertain significance for Inborn genetic diseases. Last evaluated: 2017-01-17. Review status: criteria provided, single submitter. Criteria: Ambry Variant Classification Scheme 2023. Collection method: clinical testing. Allele origin: germline.
Comment: The p.R1914Q variant (also known as c.5741G>A), located in coding exon 20 of the ARID1B gene, results from a G to A substitution at nucleotide position 5741. The arginine at codon 1914 is replaced by glutamine, an amino acid with highly similar properties. This amino acid position is highly conserved in available vertebrate species. In addition, the in silico prediction for this alteration is inconclusive. Since supporting evidence is limited at this time, the clinical significance of this alteration remains unclear.

NM_001374828.1(ARID1B):c.6110G>A (p.Arg2037Gln)

Gene: ARID1B (AT-rich interaction domain 1B; plus strand). Cytogenetic location: 6q25.3.
Variant type: single nucleotide variant.
Coding change: c.6110G>A on transcript NM_001374828.1 (MANE Select); coding-DNA position 6110, G replaced by A.
Protein change: p.Arg2037Gln; replaces arginine 2037 with glutamine.
Molecular consequence: missense variant.
Genome position (GRCh38, 1-based): chr6:157,206,882, G>A. VCF-style: chr6-157206882-G-A. GRCh37 (hg19) VCF-style: chr6-157528016-G-A.
Other names: c.5741G>A, p.Arg1914Gln (NM_020732.3); c.3611G>A, p.Arg1204Gln (NM_001363725.2); c.5990G>A, p.Arg1997Gln (NM_001371656.1, NM_001374820.1); c.5951G>A, p.Arg1984Gln (NM_017519.3); short protein forms R1914Q, R1204Q, R1984Q, R1997Q, R2037Q.
Identifiers: ClinVar variation 588801 (VCV000588801.10), dbSNP rs751391187, ClinGen allele CA4067958.